The following is an entry in ClinVar:

ClinVar aggregate classification (germline): Conflicting classifications of pathogenicity. Review status: criteria provided, conflicting classifications (1 of 4 stars). 6 submissions from 6 submitters: Uncertain significance (4); Likely benign (2). Last evaluated 2026-01-26.

Conditions:
Primary ciliary dyskinesia 7. Also called: CILIARY DYSKINESIA, PRIMARY, 7, WITH OR WITHOUT SITUS INVERSUS. Identifiers: Orphanet 244, MedGen C2678473, MONDO:0012748, OMIM 611884.
Primary ciliary dyskinesia. Also called: Ciliary dyskinesia. Identifiers: Orphanet 244, MedGen C0008780, MONDO:0016575, HP:0012265.

Allele frequency attached by ClinVar (database versions not stated): 1000 Genomes Project 30x 0.00016; ExAC 0.00016; TOPMed 0.00018; 1000 Genomes Project 0.00020.
gnomAD v4.1: 164 of 1,603,874 alleles (0.01%); highest among the groups gnomAD compares: Admixed American, 0.11%; no homozygotes.

Submissions (6):

Labcorp Genetics (formerly Invitae), Labcorp
Classification: Likely benign for Primary ciliary dyskinesia. Last evaluated: 2026-01-26. Review status: criteria provided, single submitter. Criteria: Invitae Variant Classification Sherloc (09022015). Collection method: clinical testing. Allele origin: germline.

Revvity Omics, Revvity
Classification: Uncertain significance for Primary ciliary dyskinesia 7. Last evaluated: 2024-07-09. Review status: criteria provided, single submitter. Criteria: ACMG Guidelines, 2015. Collection method: clinical testing. Allele origin: germline.

GeneDx
Classification: Uncertain significance. Last evaluated: 2023-05-11. Review status: criteria provided, single submitter. Criteria: GeneDx Variant Classification Process June 2021. Collection method: clinical testing. Allele origin: germline. Affected: yes.
Comment: In silico analysis supports that this missense variant has a deleterious effect on protein structure/function; Has not been previously published as pathogenic or benign to our knowledge

Ambry Genetics
Classification: Likely benign for Primary ciliary dyskinesia. Last evaluated: 2023-03-08. Review status: criteria provided, single submitter. Criteria: Ambry Variant Classification Scheme 2023. Collection method: clinical testing. Allele origin: germline.

Baylor Genetics
Classification: Uncertain significance for Primary ciliary dyskinesia 7. Last evaluated: 2020-05-05. Review status: criteria provided, single submitter. Criteria: ACMG Guidelines, 2015. Collection method: clinical testing. Allele origin: unknown. Affected: yes.
Comment: This variant was determined to be of uncertain significance according to ACMG Guidelines, 2015 [PMID:25741868].

Breakthrough Genomics
Classification: Uncertain significance. Review status: criteria provided, single submitter. Criteria: ACMG Guidelines, 2015. Collection method: not provided. Allele origin: germline. Inheritance: Autosomal recessive inheritance. Affected: yes.

NM_001277115.2(DNAH11):c.8809G>A (p.Asp2937Asn)

Gene: DNAH11 (dynein axonemal heavy chain 11; plus strand). Cytogenetic location: 7p15.3.
Variant type: single nucleotide variant.
Coding change: c.8809G>A on transcript NM_001277115.2 (MANE Select); coding-DNA position 8809, G replaced by A.
Protein change: p.Asp2937Asn; replaces aspartic acid 2937 with asparagine.
Molecular consequence: missense variant.
Genome position (GRCh38, 1-based): chr7:21,750,233, G>A. VCF-style: chr7-21750233-G-A. GRCh37 (hg19) VCF-style: chr7-21789851-G-A.
Other names: short protein forms D2937N.
Identifiers: ClinVar variation 1031277 (VCV001031277.15), dbSNP rs538735006, ClinGen allele CA4181756.